The following is an entry in ClinVar:

ClinVar aggregate classification (germline): Uncertain significance (1 of 4 stars; one submission).

Submission:

GeneDx
Classification: Uncertain significance. Last evaluated: 2025-03-26. Review status: criteria provided, single submitter. Criteria: GeneDx Variant Classification Process June 2021. Collection method: clinical testing. Allele origin: germline. Affected: yes.
Comment: Not observed at significant frequency in large population cohorts (gnomAD); In silico analysis supports that this missense variant has a deleterious effect on protein structure/function; Has not been previously published as pathogenic or benign to our knowledge

NM_003242.6(TGFBR2):c.290T>C (p.Leu97Pro)

Gene: TGFBR2 (transforming growth factor beta receptor 2; plus strand). Cytogenetic location: 3p24.1.
Variant type: single nucleotide variant.
Coding change: c.290T>C on transcript NM_003242.6 (MANE Select); coding-DNA position 290, T replaced by C.
Protein change: p.Leu97Pro; replaces leucine 97 with proline.
Molecular consequence: missense variant. On other transcripts: intron variant (2).
Genome position (GRCh38, 1-based): chr3:30,650,296, T>C. VCF-style: chr3-30650296-T-C. GRCh37 (hg19) VCF-style: chr3-30691788-T-C.
Other names: c.365T>C, p.Leu122Pro (NM_001024847.3, NM_001407126.1, NM_001407139.1); c.290T>C, p.Leu97Pro (NM_001407127.1, NM_001407130.1); c.317T>C, p.Leu106Pro (NM_001407128.1); c.185T>C, p.Leu62Pro (NM_001407129.1, NM_001407132.1, NM_001407133.1 and 3 more transcripts); c.170-21342T>C (NM_001407137.1); c.95-21342T>C (NM_001407138.1); short protein forms L62P, L97P, L106P, L122P.
Identifiers: ClinVar variation 4088014 (VCV004088014.1).